The following is an entry in ClinVar:

ClinVar aggregate classification (germline): Uncertain significance (1 of 4 stars; one submission).

gnomAD v4.1: 4 of 1,614,116 alleles (0.00025%); highest among the groups gnomAD compares: Admixed American, 0.0017%; no homozygotes.

Submission:

Labcorp Genetics (formerly Invitae), Labcorp
Classification: Uncertain significance. Last evaluated: 2025-04-01. Review status: criteria provided, single submitter. Criteria: Invitae Variant Classification Sherloc (09022015). Collection method: clinical testing. Allele origin: germline.
Comment: This sequence change replaces glutamic acid, which is acidic and polar, with glycine, which is neutral and non-polar, at codon 16 of the TFRC protein (p.Glu16Gly). This variant is not present in population databases (gnomAD no frequency). This variant has not been reported in the literature in individuals affected with TFRC-related conditions. An algorithm developed to predict the effect of missense changes on protein structure and function (PolyPhen-2) suggests that this variant is likely to be tolerated. In summary, the available evidence is currently insufficient to determine the role of this variant in disease. Therefore, it has been classified as a Variant of Uncertain Significance.

NM_001128148.3(TFRC):c.47A>G (p.Glu16Gly)

Gene: TFRC (transferrin receptor; minus strand). Cytogenetic location: 3q29.
Variant type: single nucleotide variant.
Coding change: c.47A>G on transcript NM_001128148.3 (MANE Select); coding-DNA position 47, A replaced by G.
Protein change: p.Glu16Gly; replaces glutamic acid 16 with glycine.
Molecular consequence: missense variant. On other transcripts: intron variant (2).
Genome position (GRCh38, 1-based): chr3:196,075,350, T>C on the plus strand (A>G on the coding strand, the complement: TFRC is on the minus strand). VCF-style: chr3-196075350-T-C. GRCh37 (hg19) VCF-style: chr3-195802221-T-C.
Other names: c.47A>G, p.Glu16Gly (NM_003234.4); c.-413+1714A>G (NM_001313966.2); c.-5-1225A>G (NM_001313965.2); short protein forms E16G.
Identifiers: ClinVar variation 4806007 (VCV004806007.1).